The following is an entry in ClinVar:

NM_015274.3(MAN2B2):c.-10T>G

Gene: MAN2B2 (mannosidase alpha class 2B member 2; plus strand). Cytogenetic location: 4p16.1.
Variant type: single nucleotide variant.
Coding change: c.-10T>G on transcript NM_015274.3 (MANE Select); 10 bases upstream of the start codon, T replaced by G.
Molecular consequence: 5 prime UTR variant.
Genome position (GRCh38, 1-based): chr4:6,575,201, T>G. VCF-style: chr4-6575201-T-G. GRCh37 (hg19) VCF-style: chr4-6576928-T-G.
Other names: c.-10T>G (NM_001292038.2).
Identifiers: ClinVar variation 4689109 (VCV004689109.1).

ClinVar aggregate classification (germline): Benign (1 of 4 stars; one submission).

gnomAD v4.1: 5,562 of 1,427,574 alleles (0.39%); highest among the groups gnomAD compares: African/African-American, 6.8%; 175 homozygotes.

Submission:

Women's Health and Genetics/Laboratory Corporation of America, LabCorp
Classification: Benign. Last evaluated: 2026-01-22. Review status: criteria provided, single submitter. Criteria: LabCorp Variant Classification Summary - May 2015. Collection method: clinical testing. Allele origin: germline.
Comment: Variant summary: MAN2B2 c.-10T>G is located in the untranslated mRNA region upstream of the initiation codon. The variant allele was found at a frequency of 0.0021 in 118632 control chromosomes, predominantly at a frequency of 0.042 within the African or African-American subpopulation in the gnomAD database, including 6 homozygotes. The observed variant frequency within African or African-American control individuals in the gnomAD database exceeds the estimated maximal expected allele frequency for disease-causing variants in MAN2B2. To our knowledge, no occurrence of c.-10T>G in individuals affected with MAN2B2-related conditions and no experimental evidence demonstrating its impact on protein function have been reported. No submitters have cited clinical-significance assessments for this variant to ClinVar. Based on the evidence outlined above, the variant was classified as benign.